The following is an entry in ClinVar:

ClinVar aggregate classification (germline): Uncertain significance. Review status: criteria provided, multiple submitters, no conflicts (2 of 4 stars). 2 submissions from 2 submitters: Uncertain significance (2). Last evaluated 2024-03-07.

Conditions:
Hereditary cancer-predisposing syndrome. Also called: Neoplastic Syndromes, Hereditary; Tumor predisposition; Hereditary neoplastic syndrome; Hereditary Cancer Syndrome. Identifiers: Orphanet 140162, MedGen C0027672, MeSH D009386, MONDO:0015356.
Hereditary nonpolyposis colorectal neoplasms. Identifiers: MedGen C0009405, MeSH D003123.

Allele frequency attached by ClinVar (database versions not stated): gnomAD exomes below 0.00001.

Submissions (2):

Color Diagnostics, LLC DBA Color Health
Classification: Uncertain significance for Hereditary cancer-predisposing syndrome. Last evaluated: 2024-03-07. Review status: criteria provided, single submitter. Criteria: ACMG Guidelines, 2015. Collection method: clinical testing. Allele origin: germline.
Comment: This missense variant replaces serine with alanine at codon 892 of the MSH6 protein. Computational prediction suggests that this variant may not impact protein structure and function (internally defined REVEL score threshold <= 0.5, PMID: 27666373). To our knowledge, functional studies have not been reported for this variant. This variant has not been reported in individuals affected with hereditary cancer in the literature. This variant has not been identified in the general population by the Genome Aggregation Database (gnomAD). The available evidence is insufficient to determine the role of this variant in disease conclusively. Therefore, this variant is classified as a Variant of Uncertain Significance.

Labcorp Genetics (formerly Invitae), Labcorp
Classification: Uncertain significance for Hereditary nonpolyposis colorectal neoplasms. Last evaluated: 2023-09-25. Review status: criteria provided, single submitter. Criteria: Invitae Variant Classification Sherloc (09022015). Collection method: clinical testing. Allele origin: germline.
Comment: This sequence change replaces serine, which is neutral and polar, with alanine, which is neutral and non-polar, at codon 892 of the MSH6 protein (p.Ser892Ala). This variant is not present in population databases (gnomAD no frequency). This variant has not been reported in the literature in individuals affected with MSH6-related conditions. ClinVar contains an entry for this variant (Variation ID: 644002). Advanced modeling of protein sequence and biophysical properties (such as structural, functional, and spatial information, amino acid conservation, physicochemical variation, residue mobility, and thermodynamic stability) performed at Invitae indicates that this missense variant is not expected to disrupt MSH6 protein function. In summary, the available evidence is currently insufficient to determine the role of this variant in disease. Therefore, it has been classified as a Variant of Uncertain Significance.

NM_000179.3(MSH6):c.2674T>G (p.Ser892Ala)

Gene: MSH6 (mutS homolog 6; plus strand). Cytogenetic location: 2p16.3.
Variant type: single nucleotide variant.
Coding change: c.2674T>G on transcript NM_000179.3 (MANE Select); coding-DNA position 2674, T replaced by G.
Protein change: p.Ser892Ala; replaces serine 892 with alanine.
Molecular consequence: missense variant.
Genome position (GRCh38, 1-based): chr2:47,800,657, T>G. VCF-style: chr2-47800657-T-G. GRCh37 (hg19) VCF-style: chr2-48027796-T-G.
Other names: c.2284T>G, p.Ser762Ala (NM_001281492.2); c.1768T>G, p.Ser590Ala (NM_001281493.2, NM_001281494.2); short protein forms S892A, S762A, S590A.
Identifiers: ClinVar variation 644002 (VCV000644002.14), dbSNP rs1572728123, ClinGen allele CA346755259.
Genomic context (GRCh38, chr2:47,800,657, plus strand): 5'-ATAGGGATCATGGAAGAAGTTGCTGATGGTTTTAAGTCTAAAATCCTTAAGCAGGTCATC[T>G]CTCTGCAGACAAAAAATCCTGAAGGTCGTTTTCCTGATTTGACTGTAGAATTGAACCGAT-3'
Protein context (NP_000170.1, residues 882-902): FKSKILKQVI[Ser892Ala]LQTKNPEGRF